The following is an entry in ClinVar:

ClinVar aggregate classification (germline): Uncertain significance (1 of 4 stars; one submission).

Submission:

Labcorp Genetics (formerly Invitae), Labcorp
Classification: Uncertain significance. Last evaluated: 2022-07-19. Review status: criteria provided, single submitter. Criteria: Invitae Variant Classification Sherloc (09022015). Collection method: clinical testing. Allele origin: germline.
Comment: In summary, the available evidence is currently insufficient to determine the role of this variant in disease. Therefore, it has been classified as a Variant of Uncertain Significance. Algorithms developed to predict the effect of missense changes on protein structure and function (SIFT, PolyPhen-2, Align-GVGD) all suggest that this variant is likely to be tolerated. ClinVar contains an entry for this variant (Variation ID: 1461592). This variant has not been reported in the literature in individuals affected with AGBL5-related conditions. This variant is not present in population databases (gnomAD no frequency). This sequence change replaces glycine, which is neutral and non-polar, with arginine, which is basic and polar, at codon 85 of the AGBL5 protein (p.Gly85Arg).

NM_021831.6(AGBL5):c.253G>C (p.Gly85Arg)

Gene: AGBL5 (AGBL carboxypeptidase 5; plus strand). Cytogenetic location: 2p23.3.
Variant type: single nucleotide variant.
Coding change: c.253G>C on transcript NM_021831.6 (MANE Select); coding-DNA position 253, G replaced by C.
Protein change: p.Gly85Arg; replaces glycine 85 with arginine.
Molecular consequence: missense variant. On other transcripts: non-coding transcript variant (2).
Genome position (GRCh38, 1-based): chr2:27,053,439, G>C. VCF-style: chr2-27053439-G-C. GRCh37 (hg19) VCF-style: chr2-27276307-G-C.
Other names: c.253G>C, p.Gly85Arg (NM_001035507.3); short protein forms G85R.
Identifiers: ClinVar variation 1461592 (VCV001461592.4), dbSNP rs2148268962, ClinGen allele CA346168529.